The following is an entry in ClinVar:

ClinVar aggregate classification (germline): Likely pathogenic (1 of 4 stars; one submission).

Conditions:
Agenesis of the corpus callosum with peripheral neuropathy (ACCPN). Also called: CHARLEVOIX DISEASE; POLYNEUROPATHY, SENSORIMOTOR, WITH OR WITHOUT AGENESIS OF THE CORPUS CALLOSUM; HMSN/ACC; Hereditary Motor and Sensory Neuropathy with Agenesis of the Corpus Callosum. Identifiers: Orphanet 1496, MedGen C0795950, MONDO:0000902, OMIM 218000. Disease mechanism: loss of function.

Submission:

Myriad Genetics, Inc.
Classification: Likely pathogenic for Agenesis of the corpus callosum with peripheral neuropathy. Last evaluated: 2022-03-15. Review status: criteria provided, single submitter. Criteria: Myriad Women's Health Autosomal Recessive and X-Linked Classification Criteria (2021). Collection method: clinical testing. Allele origin: unknown.
Comment: NM_133647.1(SLC12A6):c.3123T>A(Y1041*) is expected to be pathogenic in the context of Andermann syndrome. This variant is predicted to lead to an abnormal or absent protein product due to the creation of a premature termination codon in SLC12A6, a gene where loss-of-function variants are known to be pathogenic. Please note: this variant was assessed in the context of healthy population screening.

NM_001365088.1(SLC12A6):c.3123T>A (p.Tyr1041Ter)

Gene: SLC12A6 (solute carrier family 12 member 6; minus strand). Cytogenetic location: 15q14.
Variant type: single nucleotide variant.
Coding change: c.3123T>A on transcript NM_001365088.1 (MANE Select); coding-DNA position 3123, T replaced by A.
Protein change: p.Tyr1041Ter; replaces tyrosine 1041 with a stop codon.
Molecular consequence: nonsense.
Genome position (GRCh38, 1-based): chr15:34,236,119, A>T on the plus strand (T>A on the coding strand, the complement: SLC12A6 is on the minus strand). VCF-style: chr15-34236119-A-T. GRCh37 (hg19) VCF-style: chr15-34528320-A-T.
Other names: c.2946T>A, p.Tyr982Ter (NM_001042495.2, NM_001042494.2); c.3096T>A, p.Tyr1032Ter (NM_001042496.2); c.3078T>A, p.Tyr1026Ter (NM_001042497.2); c.2970T>A, p.Tyr990Ter (NM_005135.2); c.3123T>A, p.Tyr1041Ter (NM_133647.2); short protein forms Y1026*, Y1032*, Y1041*, Y982*, Y990*.
Identifiers: ClinVar variation 1725246 (VCV001725246.2), dbSNP rs2509743370, ClinGen allele CA391617665.
Genomic context (GRCh38, chr15:34,236,119, plus strand): 5'-TTTTTGTCCCCGGGATGCCATGTACTTGTCTTTTGTCCAAGTCATGTGCACCTTCTCCTG[A>T]TAGGTTTCTGTCTCTTCGTCCTCATCAGAGCCAATGCTGGTCAATCGTAGCATTGAGTTT-3'